The following is an entry in ClinVar:

ClinVar aggregate classification (germline): Uncertain significance (1 of 4 stars; one submission).

Allele frequency attached by ClinVar (database versions not stated): gnomAD exomes below 0.00001; gnomAD 0.00001.
gnomAD v4.1: 3 of 1,553,924 alleles (0.00019%); highest among the groups gnomAD compares: Non-Finnish European, 0.00017%; no homozygotes.

Submission:

Labcorp Genetics (formerly Invitae), Labcorp
Classification: Uncertain significance. Last evaluated: 2022-11-20. Review status: criteria provided, single submitter. Criteria: Invitae Variant Classification Sherloc (09022015). Collection method: clinical testing. Allele origin: germline.
Comment: This sequence change replaces valine, which is neutral and non-polar, with leucine, which is neutral and non-polar, at codon 699 of the VAV1 protein (p.Val699Leu). The frequency data for this variant in the population databases is considered unreliable, as metrics indicate poor data quality at this position in the gnomAD database. This variant has not been reported in the literature in individuals affected with VAV1-related conditions. Algorithms developed to predict the effect of missense changes on protein structure and function are either unavailable or do not agree on the potential impact of this missense change (SIFT: "Tolerated"; PolyPhen-2: "Possibly Damaging"; Align-GVGD: "Class C0"). In summary, the available evidence is currently insufficient to determine the role of this variant in disease. Therefore, it has been classified as a Variant of Uncertain Significance.

NM_005428.4(VAV1):c.2095G>T (p.Val699Leu)

Gene: VAV1 (vav guanine nucleotide exchange factor 1; plus strand). Cytogenetic location: 19p13.3.
Variant type: single nucleotide variant.
Coding change: c.2095G>T on transcript NM_005428.4 (MANE Select); coding-DNA position 2095, G replaced by T.
Protein change: p.Val699Leu; replaces valine 699 with leucine.
Molecular consequence: missense variant.
Genome position (GRCh38, 1-based): chr19:6,848,080, G>T. VCF-style: chr19-6848080-G-T. GRCh37 (hg19) VCF-style: chr19-6848091-G-T.
Other names: c.2029G>T, p.Val677Leu (NM_001258206.2); c.1999G>T, p.Val667Leu (NM_001258207.2); short protein forms V699L, V667L, V677L.
Identifiers: ClinVar variation 2994478 (VCV002994478.3), dbSNP rs1395314402, ClinGen allele CA403635286.